The following is an entry in ClinVar:

ClinVar aggregate classification (germline): Uncertain significance (1 of 4 stars; one submission).

Conditions:
Early-infantile DEE. Also called: Early infantile epileptic encephalopathy; Ohtahara syndrome; Early infantile epileptic encephalopathy with suppression bursts. Identifiers: Orphanet 1934, MedGen C0393706, MONDO:0800491.

Submission:

Labcorp Genetics (formerly Invitae), Labcorp
Classification: Uncertain significance for Early-infantile DEE. Last evaluated: 2022-04-19. Review status: criteria provided, single submitter. Criteria: Invitae Variant Classification Sherloc (09022015). Collection method: clinical testing. Allele origin: germline.
Comment: This variant has not been reported in the literature in individuals affected with SCN8A-related conditions. This variant is not present in population databases (gnomAD no frequency). This sequence change replaces leucine, which is neutral and non-polar, with glutamine, which is neutral and polar, at codon 1660 of the SCN8A protein (p.Leu1660Gln). Algorithms developed to predict the effect of missense changes on protein structure and function are either unavailable or do not agree on the potential impact of this missense change (SIFT: "Deleterious"; PolyPhen-2: "Probably Damaging"; Align-GVGD: "Class C0"). In summary, the available evidence is currently insufficient to determine the role of this variant in disease. Therefore, it has been classified as a Variant of Uncertain Significance.

NM_001330260.2(SCN8A):c.4979T>A (p.Leu1660Gln)

Gene: SCN8A (sodium voltage-gated channel alpha subunit 8; plus strand). Cytogenetic location: 12q13.13.
Variant type: single nucleotide variant.
Coding change: c.4979T>A on transcript NM_001330260.2 (MANE Select); coding-DNA position 4979, T replaced by A.
Protein change: p.Leu1660Gln; replaces leucine 1660 with glutamine.
Molecular consequence: missense variant.
Genome position (GRCh38, 1-based): chr12:51,806,465, T>A. VCF-style: chr12-51806465-T-A. GRCh37 (hg19) VCF-style: chr12-52200249-T-A.
Other names: c.4856T>A, p.Leu1619Gln (NM_001177984.3, NM_001369788.1); c.4979T>A, p.Leu1660Gln (NM_014191.4); short protein forms L1619Q, L1660Q.
Identifiers: ClinVar variation 2127932 (VCV002127932.4), dbSNP rs2540333951, ClinGen allele CA384882152.